The following is an entry in ClinVar:

ClinVar aggregate classification (germline): Uncertain significance (1 of 4 stars; one submission).

Submission:

GeneDx
Classification: Uncertain significance. Last evaluated: 2023-12-14. Review status: criteria provided, single submitter. Criteria: GeneDx Variant Classification Process June 2021. Collection method: clinical testing. Allele origin: germline. Affected: yes.
Comment: Variants in candidate genes are classified as variants of uncertain significance in accordance with ACMG guidelines (PMID: 25741868); Not observed at significant frequency in large population cohorts (gnomAD); In silico analysis supports that this missense variant does not alter protein structure/function; Has not been previously published as pathogenic or benign to our knowledge

NM_001145073.3(USP27X):c.817C>G (p.Pro273Ala)

Gene: USP27X (ubiquitin specific peptidase 27 X-linked; plus strand). Cytogenetic location: Xp11.23.
Variant type: single nucleotide variant.
Coding change: c.817C>G on transcript NM_001145073.3 (MANE Select); coding-DNA position 817, C replaced by G.
Protein change: p.Pro273Ala; replaces proline 273 with alanine.
Molecular consequence: missense variant.
Genome position (GRCh38, 1-based): chrX:49,881,124, C>G. VCF-style: chrX-49881124-C-G. GRCh37 (hg19) VCF-style: chrX-49645727-C-G.
Other names: short protein forms P273A.
Identifiers: ClinVar variation 3252860 (VCV003252860.1), dbSNP rs2519167399.
Genomic context (GRCh38, chrX:49,881,124, plus strand): 5'-GGGGAAAGCCACATACCAGGAATCACCACCCTCACGGACTGCTTGCGGAGGTTTACGAGG[C>G]CAGAGCACTTAGGAAGCAGTGCCAAAATCAAATGTGGTAGTTGCCAAAGCTACCAGGAAT-3'
Protein context (NP_001138545.1, residues 263-283): LTDCLRRFTR[Pro273Ala]EHLGSSAKIK